The following is an entry in ClinVar:

NM_015512.5(DNAH1):c.4393del (p.Gln1465fs)

Gene: DNAH1 (dynein axonemal heavy chain 1; plus strand). Cytogenetic location: 3p21.1.
Variant type: Deletion.
Coding change: c.4393del on transcript NM_015512.5 (MANE Select); coding-DNA position 4393, one base deleted (C; older notation c.4393delC).
Protein change: p.Gln1465fs; shifts the reading frame from glutamine 1465.
Molecular consequence: frameshift variant.
Genome position (GRCh38, 1-based): chr3:52,359,372, C deleted; the last of 5 consecutive C bases (chr3:52,359,368-52,359,372); deleting any one gives the same sequence. VCF-style (leftmost placement, unchanged base first): chr3-52359367-TC-T. GRCh37 (hg19) VCF-style: chr3-52393383-TC-T.
Other names: short protein forms Q1465fs.
Identifiers: ClinVar variation 3747917 (VCV003747917.2).
Genomic context (GRCh38, chr3:52,359,367, plus strand): 5'-CCTACTGGACCATGGAGGTGGCAGAGGCTCTGGAGGCCGGCAACCTCAGAAGCCAACTGT[TC>T]CCCCAGCTCTGCCAGCAGGTTGGAGTCAAGAGGACCCCTGTCTGTCCCCCTCCACCCCCT-3'

ClinVar aggregate classification (germline): Pathogenic (1 of 4 stars; one submission).

Conditions:
Spermatogenic failure 18. Identifiers: MedGen C4539783, MONDO:0054615, OMIM 617576.
Ciliary dyskinesia, primary, 37 (CILD37). Also called: CILIARY DYSKINESIA, PRIMARY, 37, WITH OR WITHOUT SITUS INVERSUS. Identifiers: MedGen C4539798, MONDO:0033204, OMIM 617577.

Submission:

Labcorp Genetics (formerly Invitae), Labcorp
Classification: Pathogenic for Ciliary dyskinesia, primary, 37; Spermatogenic failure 18. Last evaluated: 2025-01-29. Review status: criteria provided, single submitter. Criteria: Invitae Variant Classification Sherloc (09022015). Collection method: clinical testing. Allele origin: germline.
Comment: This sequence change creates a premature translational stop signal (p.Gln1465Serfs*28) in the DNAH1 gene. It is expected to result in an absent or disrupted protein product. Loss-of-function variants in DNAH1 are known to be pathogenic (PMID: 27573432, 27798045). The frequency data for this variant in the population databases is considered unreliable, as metrics indicate poor data quality at this position in the gnomAD database. This variant has not been reported in the literature in individuals affected with DNAH1-related conditions. For these reasons, this variant has been classified as Pathogenic.

Literature cited by the submitters: PubMed 27573432; PubMed 27798045.